The following is an entry in ClinVar:

ClinVar aggregate classification (germline): Benign (0 of 4 stars; one submission).

Conditions:
QRICH2-related disorder. Also called: QRICH2-related condition.

Allele frequency attached by ClinVar (database versions not stated): gnomAD exomes 0.02799; ExAC 0.05275; gnomAD 0.11230; TOPMed 0.12376; ESP Exome Variant Server 0.12694; 1000 Genomes Project 0.13279; 1000 Genomes Project 30x 0.13726.
gnomAD v4.1: 58,635 of 1,602,712 alleles (3.7%); highest among the groups gnomAD compares: African/African-American, 34%; 4,923 homozygotes.

Submission:

PreventionGenetics, part of Exact Sciences
Classification: Benign for QRICH2-related condition. Last evaluated: 2019-11-07. Review status: no assertion criteria provided. Collection method: clinical testing. Allele origin: germline.
Comment: This variant is classified as benign based on ACMG/AMP sequence variant interpretation guidelines (Richards et al. 2015 PMID: 25741868, with internal and published modifications).

NM_001388453.1(QRICH2):c.5210C>T (p.Pro1737Leu)

Gene: QRICH2 (glutamine rich 2; minus strand). Cytogenetic location: 17q25.1.
Variant type: single nucleotide variant.
Coding change: c.5210C>T on transcript NM_001388453.1 (MANE Select); coding-DNA position 5210, C replaced by T.
Protein change: p.Pro1737Leu; replaces proline 1737 with leucine.
Molecular consequence: missense variant. On other transcripts: non-coding transcript variant (1).
Genome position (GRCh38, 1-based): chr17:76,277,218, G>A on the plus strand (C>T on the coding strand, the complement: QRICH2 is on the minus strand). VCF-style: chr17-76277218-G-A. GRCh37 (hg19) VCF-style: chr17-74273299-G-A.
Other names: c.5210C>T, p.Pro1737Leu (NM_032134.3); short protein forms P1737L.
Identifiers: ClinVar variation 3055373 (VCV003055373.2), dbSNP rs73350377, ClinGen allele CA8783199.